The following is an entry in ClinVar:

NM_001318895.3(FHL2):c.655A>C (p.Lys219Gln)

Genes: C2orf49 (chromosome 2 open reading frame 49; plus strand), FHL2 (four and a half LIM domains 2; minus strand). Cytogenetic location: 2q12.2.
Variant type: single nucleotide variant.
Coding change: c.655A>C on transcript NM_001318895.3 (MANE Select); coding-DNA position 655, A replaced by C.
Protein change: p.Lys219Gln; replaces lysine 219 with glutamine.
Molecular consequence: missense variant.
Genome position (GRCh38, 1-based): chr2:105,363,318, T>G on the plus strand (A>C on the coding strand, the complement: FHL2 is on the minus strand). VCF-style: chr2-105363318-T-G. GRCh37 (hg19) VCF-style: chr2-105979775-T-G.
Other names: c.655A>C, p.Lys219Gln (NM_001450.4, NM_201555.3, NM_201557.5 and 4 more transcripts); c.313A>C, p.Lys105Gln (NM_001318897.2, NM_001318898.2); c.331A>C, p.Lys111Gln (NM_001318899.2); short protein forms K105Q, K111Q, K219Q.
Identifiers: ClinVar variation 2851897 (VCV002851897.3), dbSNP rs765651831, ClinGen allele CA1814690.

ClinVar aggregate classification (germline): Uncertain significance (1 of 4 stars; one submission).

Conditions:
Primary dilated cardiomyopathy (DCM). Also called: Dilated Cardiomyopathy. Identifiers: Orphanet 217604, MedGen C0007193, MeSH D002311, MONDO:0005021, HP:0001644. Inheritance: Various modes of inheritance.

Allele frequency attached by ClinVar (database versions not stated): gnomAD exomes 0.00001; ExAC 0.00001.
gnomAD v4.1: 9 of 1,614,166 alleles (0.00056%); highest among the groups gnomAD compares: East Asian, 0.018%; no homozygotes.

Submission:

Labcorp Genetics (formerly Invitae), Labcorp
Classification: Uncertain significance for Primary dilated cardiomyopathy. Last evaluated: 2025-12-03. Review status: criteria provided, single submitter. Criteria: Invitae Variant Classification Sherloc (09022015). Collection method: clinical testing. Allele origin: germline.
Comment: This sequence change replaces lysine, which is basic and polar, with glutamine, which is neutral and polar, at codon 219 of the FHL2 protein (p.Lys219Gln). This variant is present in population databases (rs765651831, gnomAD 0.02%). This variant has not been reported in the literature in individuals affected with FHL2-related conditions. ClinVar contains an entry for this variant (Variation ID: 2851897). Invitae Evidence Modeling of protein sequence and biophysical properties (such as structural, functional, and spatial information, amino acid conservation, physicochemical variation, residue mobility, and thermodynamic stability) indicates that this missense variant is not expected to disrupt FHL2 protein function with a negative predictive value of 80%. In summary, the available evidence is currently insufficient to determine the role of this variant in disease. Therefore, it has been classified as a Variant of Uncertain Significance.